The following is an entry in ClinVar:

NM_001369.3(DNAH5):c.8821-38T>A

Gene: DNAH5 (dynein axonemal heavy chain 5; minus strand). Cytogenetic location: 5p15.2.
Variant type: single nucleotide variant.
Coding change: c.8821-38T>A on transcript NM_001369.3 (MANE Select); 38 bases into the intron before coding-DNA position 8821, T replaced by A.
Molecular consequence: intron variant.
Genome position (GRCh38, 1-based): chr5:13,780,997, A>T on the plus strand (T>A on the coding strand, the complement: DNAH5 is on the minus strand). VCF-style: chr5-13780997-A-T. GRCh37 (hg19) VCF-style: chr5-13781106-A-T.
Identifiers: ClinVar variation 2632111 (VCV002632111.4), dbSNP rs201165842, ClinGen allele CA3202710.

ClinVar aggregate classification (germline): Likely benign (1 of 4 stars; one submission).

Conditions:
DNAH5-related disorder. Also called: DNAH5-related condition.

Allele frequency attached by ClinVar (database versions not stated): 1000 Genomes Project 30x 0.00016; 1000 Genomes Project 0.00020; ExAC 0.00047; TOPMed 0.00059; gnomAD 0.00065; ESP Exome Variant Server 0.00100.
gnomAD v4.1: 1,507 of 1,608,108 alleles (0.094%); highest among the groups gnomAD compares: Non-Finnish European, 0.12%; 2 homozygotes.

Submission:

PreventionGenetics, part of Exact Sciences
Classification: Likely benign for DNAH5-related condition. Last evaluated: 2025-06-05. Review status: criteria provided, single submitter. Criteria: ACMG Guidelines, 2015. Collection method: clinical testing. Allele origin: germline.
Comment: This variant is classified as likely benign based on ACMG/AMP sequence variant interpretation guidelines (Richards et al. 2015 PMID: 25741868, with internal and published modifications).